The following is an entry in ClinVar:

NM_001351132.2(PEX5):c.845A>C (p.Glu282Ala)

Gene: PEX5 (peroxisomal biogenesis factor 5; plus strand). Cytogenetic location: 12p13.31.
Variant type: single nucleotide variant.
Coding change: c.845A>C on transcript NM_001351132.2 (MANE Select); coding-DNA position 845, A replaced by C.
Protein change: p.Glu282Ala; replaces glutamic acid 282 with alanine.
Molecular consequence: missense variant.
Genome position (GRCh38, 1-based): chr12:7,202,703, A>C. VCF-style: chr12-7202703-A-C. GRCh37 (hg19) VCF-style: chr12-7355299-A-C.
Other names: c.845A>C, p.Glu282Ala (NM_000319.5, NM_001131025.2, NM_001131026.2 and 6 more transcripts); c.890A>C, p.Glu297Ala (NM_001131023.2); c.734A>C, p.Glu245Ala (NM_001131024.2, NM_001351124.3, NM_001351126.2 and 10 more transcripts); c.779A>C, p.Glu260Ala (NM_001351135.3, NM_001351138.2); short protein forms E282A, E245A, E297A, E260A.
Identifiers: ClinVar variation 1940890 (VCV001940890.3), dbSNP rs766287262, ClinGen allele CA6426287.

ClinVar aggregate classification (germline): Uncertain significance. Review status: criteria provided, multiple submitters, no conflicts (2 of 4 stars). 2 submissions from 2 submitters: Uncertain significance (2). Last evaluated 2023-09-13.

Conditions:
Peroxisome biogenesis disorder 2B (PBD2B). Identifiers: Orphanet 44, MedGen C3550234, MONDO:0008736, OMIM 202370.

Allele frequency attached by ClinVar (database versions not stated): TOPMed below 0.00001; gnomAD exomes 0.00001; ExAC 0.00003.
gnomAD v4.1: 20 of 1,609,366 alleles (0.0012%); highest among the groups gnomAD compares: South Asian, 0.02%; no homozygotes.

Submissions (2):

Blueprint Genetics
Classification: Uncertain significance. Last evaluated: 2023-09-13. Review status: criteria provided, single submitter. Criteria: ACMG Guidelines, 2015. Collection method: clinical testing. Allele origin: germline.

Labcorp Genetics (formerly Invitae), Labcorp
Classification: Uncertain significance for Peroxisome biogenesis disorder 2B. Last evaluated: 2022-08-10. Review status: criteria provided, single submitter. Criteria: Invitae Variant Classification Sherloc (09022015). Collection method: clinical testing. Allele origin: germline.
Comment: This sequence change replaces glutamic acid, which is acidic and polar, with alanine, which is neutral and non-polar, at codon 282 of the PEX5 protein (p.Glu282Ala). This variant is present in population databases (rs766287262, gnomAD 0.02%). This variant has not been reported in the literature in individuals affected with PEX5-related conditions. Algorithms developed to predict the effect of missense changes on protein structure and function are either unavailable or do not agree on the potential impact of this missense change (SIFT: "Deleterious"; PolyPhen-2: "Benign"; Align-GVGD: "Class C15"). Algorithms developed to predict the effect of sequence changes on RNA splicing suggest that this variant may create or strengthen a splice site. In summary, the available evidence is currently insufficient to determine the role of this variant in disease. Therefore, it has been classified as a Variant of Uncertain Significance.